The following is an entry in ClinVar:

ClinVar aggregate classification (germline): Likely benign. Review status: criteria provided, multiple submitters, no conflicts (2 of 4 stars). 2 submissions from 2 submitters: Likely benign (2). Last evaluated 2019-07-11.

Conditions:
Inborn genetic diseases. Identifiers: MedGen C0950123, MeSH D030342.

Submissions (2):

Ambry Genetics
Classification: Likely benign for Inborn genetic diseases. Last evaluated: 2019-07-11. Review status: criteria provided, single submitter. Criteria: Ambry Variant Classification Scheme 2023. Collection method: clinical testing. Allele origin: germline.

GeneDx
Classification: Likely benign. Last evaluated: 2016-05-23. Review status: criteria provided, single submitter. Criteria: GeneDx Variant Classification (06012015). Collection method: clinical testing. Allele origin: germline. Affected: yes.
Comment: This variant is considered likely benign or benign based on one or more of the following criteria: it is a conservative change, it occurs at a poorly conserved position in the protein, it is predicted to be benign by multiple in silico algorithms, and/or has population frequency not consistent with disease.

NM_001605.3(AARS1):c.882C>T (p.Ala294=)

Gene: AARS1 (alanyl-tRNA synthetase 1; minus strand). Cytogenetic location: 16q22.1.
Variant type: single nucleotide variant.
Coding change: c.882C>T on transcript NM_001605.3 (MANE Select); coding-DNA position 882, C replaced by T.
Protein change: p.Ala294=; no amino-acid change (alanine 294 retained).
Molecular consequence: synonymous variant.
Genome position (GRCh38, 1-based): chr16:70,269,698, G>A on the plus strand (C>T on the coding strand, the complement: AARS1 is on the minus strand). VCF-style: chr16-70269698-G-A. GRCh37 (hg19) VCF-style: chr16-70303601-G-A.
Identifiers: ClinVar variation 386072 (VCV000386072.3), dbSNP rs1057522409, ClinGen allele CA16607474.